The following is an entry in ClinVar:

ClinVar aggregate classification (germline): Uncertain significance (1 of 4 stars; one submission).

Conditions:
Ataxia-telangiectasia syndrome (AT). Also called: ATAXIA-TELANGIECTASIA, COMPLEMENTATION GROUP A; ATAXIA-TELANGIECTASIA, FRESNO VARIANT; Ataxia-telangiectasia, complementation group D; LOUIS-BAR SYNDROME; AT, COMPLEMENTATION GROUP C; Ataxia-telangiectasia. Identifiers: Orphanet 100, MedGen C0004135, MONDO:0008840, OMIM 208900.

Submission:

Labcorp Genetics (formerly Invitae), Labcorp
Classification: Uncertain significance for Ataxia-telangiectasia syndrome. Last evaluated: 2024-01-24. Review status: criteria provided, single submitter. Criteria: Invitae Variant Classification Sherloc (09022015). Collection method: clinical testing. Allele origin: germline.
Comment: This sequence change replaces tyrosine, which is neutral and polar, with serine, which is neutral and polar, at codon 1252 of the ATM protein (p.Tyr1252Ser). This variant is not present in population databases (gnomAD no frequency). This variant has not been reported in the literature in individuals affected with ATM-related conditions. An algorithm developed to predict the effect of missense changes on protein structure and function (PolyPhen-2) suggests that this variant is likely to be tolerated. In summary, the available evidence is currently insufficient to determine the role of this variant in disease. Therefore, it has been classified as a Variant of Uncertain Significance.

NM_000051.4(ATM):c.3755A>C (p.Tyr1252Ser)

Gene: ATM (ATM serine/threonine kinase; plus strand). Cytogenetic location: 11q22.3.
Variant type: single nucleotide variant.
Coding change: c.3755A>C on transcript NM_000051.4 (MANE Select); coding-DNA position 3755, A replaced by C.
Protein change: p.Tyr1252Ser; replaces tyrosine 1252 with serine.
Molecular consequence: missense variant.
Genome position (GRCh38, 1-based): chr11:108,284,235, A>C. VCF-style: chr11-108284235-A-C. GRCh37 (hg19) VCF-style: chr11-108154962-A-C.
Other names: c.3755A>C, p.Tyr1252Ser (NM_001351834.2); short protein forms Y1252S.
Identifiers: ClinVar variation 2711120 (VCV002711120.3), dbSNP rs2135704378, ClinGen allele CA382524244.